The following is an entry in ClinVar:

ClinVar aggregate classification (germline): Uncertain significance (1 of 4 stars; one submission).

Conditions:
Norman-Roberts syndrome (LIS2). Also called: Lissencephaly 2 (Norman-Roberts type). Identifiers: Orphanet 89844, MedGen C0796089, MONDO:0009760, OMIM 257320.
Familial temporal lobe epilepsy 7. Identifiers: Orphanet 101046, MedGen C4225327, MONDO:0014639, OMIM 616436.

Submission:

Labcorp Genetics (formerly Invitae), Labcorp
Classification: Uncertain significance for Familial temporal lobe epilepsy 7; Norman-Roberts syndrome. Last evaluated: 2022-03-19. Review status: criteria provided, single submitter. Criteria: Invitae Variant Classification Sherloc (09022015). Collection method: clinical testing. Allele origin: germline.
Comment: In summary, the available evidence is currently insufficient to determine the role of this variant in disease. Therefore, it has been classified as a Variant of Uncertain Significance. Algorithms developed to predict the effect of missense changes on protein structure and function are either unavailable or do not agree on the potential impact of this missense change (SIFT: "Deleterious"; PolyPhen-2: "Probably Damaging"; Align-GVGD: "Class C0"). ClinVar contains an entry for this variant (Variation ID: 1023563). This variant has not been reported in the literature in individuals affected with RELN-related conditions. This variant is not present in population databases (gnomAD no frequency). This sequence change replaces glycine, which is neutral and non-polar, with aspartic acid, which is acidic and polar, at codon 1822 of the RELN protein (p.Gly1822Asp).

NM_005045.4(RELN):c.5465G>A (p.Gly1822Asp)

Gene: RELN (reelin; minus strand). Cytogenetic location: 7q22.1.
Variant type: single nucleotide variant.
Coding change: c.5465G>A on transcript NM_005045.4 (MANE Select); coding-DNA position 5465, G replaced by A.
Protein change: p.Gly1822Asp; replaces glycine 1822 with aspartic acid.
Molecular consequence: missense variant.
Genome position (GRCh38, 1-based): chr7:103,561,596, C>T on the plus strand (G>A on the coding strand, the complement: RELN is on the minus strand). VCF-style: chr7-103561596-C-T. GRCh37 (hg19) VCF-style: chr7-103202043-C-T.
Other names: c.5465G>A, p.Gly1822Asp (NM_173054.3); short protein forms G1822D.
Identifiers: ClinVar variation 1023563 (VCV001023563.8), dbSNP rs141734678, ClinGen allele CA163910181.